The following is an entry in ClinVar:

ClinVar aggregate classification (germline): Uncertain significance (1 of 4 stars; one submission).

Conditions:
Hereditary cancer-predisposing syndrome. Also called: Tumor predisposition; Hereditary neoplastic syndrome; Neoplastic Syndromes, Hereditary; Hereditary Cancer Syndrome. Identifiers: Orphanet 140162, MedGen C0027672, MeSH D009386, MONDO:0015356.

Submission:

Ambry Genetics
Classification: Uncertain significance for Hereditary cancer-predisposing syndrome. Last evaluated: 2025-06-01. Review status: criteria provided, single submitter. Criteria: Ambry Variant Classification Scheme 2023. Collection method: clinical testing. Allele origin: germline.
Comment: The p.A790G variant (also known as c.2369C>G), located in coding exon 10 of the BLM gene, results from a C to G substitution at nucleotide position 2369. The alanine at codon 790 is replaced by glycine, an amino acid with similar properties. This amino acid position is conserved. In addition, this alteration is predicted to be tolerated by in silico analysis. Based on the available evidence, the clinical significance of this variant remains unclear.

NM_000057.4(BLM):c.2369C>G (p.Ala790Gly)

Gene: BLM (BLM RecQ like helicase; plus strand). Cytogenetic location: 15q26.1.
Variant type: single nucleotide variant.
Coding change: c.2369C>G on transcript NM_000057.4 (MANE Select); coding-DNA position 2369, C replaced by G.
Protein change: p.Ala790Gly; replaces alanine 790 with glycine.
Molecular consequence: missense variant.
Genome position (GRCh38, 1-based): chr15:90,769,194, C>G. VCF-style: chr15-90769194-C-G. GRCh37 (hg19) VCF-style: chr15-91312424-C-G.
Other names: c.2369C>G, p.Ala790Gly (NM_001287246.2, NM_001287247.2); c.1244C>G, p.Ala415Gly (NM_001287248.2); short protein forms A790G, A415G.
Identifiers: ClinVar variation 3991686 (VCV003991686.1).